The following is an entry in ClinVar:

ClinVar aggregate classification (germline): Uncertain significance. Review status: criteria provided, multiple submitters, no conflicts (2 of 4 stars). 2 submissions from 2 submitters: Uncertain significance (2). Last evaluated 2024-08-01.

Submissions (2):

GeneDx
Classification: Uncertain significance. Last evaluated: 2024-08-01. Review status: criteria provided, single submitter. Criteria: GeneDx Variant Classification Process June 2021. Collection method: clinical testing. Allele origin: germline. Affected: yes.
Comment: Not observed at significant frequency in large population cohorts (gnomAD); In silico analysis supports that this missense variant has a deleterious effect on protein structure/function; Has not been previously published as pathogenic or benign to our knowledge.

Labcorp Genetics (formerly Invitae), Labcorp
Classification: Uncertain significance. Last evaluated: 2023-12-11. Review status: criteria provided, single submitter. Criteria: Invitae Variant Classification Sherloc (09022015). Collection method: clinical testing. Allele origin: germline.
Comment: This sequence change replaces aspartic acid, which is acidic and polar, with histidine, which is basic and polar, at codon 1954 of the CACNA1F protein (p.Asp1954His). This variant is not present in population databases (gnomAD no frequency). This variant has not been reported in the literature in individuals affected with CACNA1F-related conditions. ClinVar contains an entry for this variant (Variation ID: 1719128). An algorithm developed to predict the effect of missense changes on protein structure and function (PolyPhen-2) suggests that this variant is likely to be tolerated. In summary, the available evidence is currently insufficient to determine the role of this variant in disease. Therefore, it has been classified as a Variant of Uncertain Significance.

NM_001256789.3(CACNA1F):c.5827G>C (p.Asp1943His)

Gene: CACNA1F (calcium voltage-gated channel subunit alpha1 F; minus strand). Cytogenetic location: Xp11.23.
Variant type: single nucleotide variant.
Coding change: c.5827G>C on transcript NM_001256789.3 (MANE Select); coding-DNA position 5827, G replaced by C.
Protein change: p.Asp1943His; replaces aspartic acid 1943 with histidine.
Molecular consequence: missense variant.
Genome position (GRCh38, 1-based): chrX:49,205,211, C>G on the plus strand (G>C on the coding strand, the complement: CACNA1F is on the minus strand). VCF-style: chrX-49205211-C-G. GRCh37 (hg19) VCF-style: chrX-49061671-C-G.
Other names: c.5665G>C, p.Asp1889His (NM_001256790.3); c.5860G>C, p.Asp1954His (NM_005183.4); c.5860G>C (NM_005183.2); short protein forms D1889H, D1943H, D1954H.
Identifiers: ClinVar variation 1719128 (VCV001719128.6), dbSNP rs374663693, ClinGen allele CA412955990.